The following is an entry in ClinVar:

NM_001377.3(DYNC2H1):c.8311+153A>G

Gene: DYNC2H1 (dynein cytoplasmic 2 heavy chain 1; plus strand). Cytogenetic location: 11q22.3.
Variant type: single nucleotide variant.
Coding change: c.8311+153A>G on transcript NM_001377.3 (MANE Select); 153 bases into the intron after coding-DNA position 8311, A replaced by G.
Molecular consequence: intron variant.
Genome position (GRCh38, 1-based): chr11:103,203,929, A>G. VCF-style: chr11-103203929-A-G. GRCh37 (hg19) VCF-style: chr11-103074658-A-G.
Other names: c.8311+153A>G (NM_001080463.2).
Identifiers: ClinVar variation 667722 (VCV000667722.1), dbSNP rs633030, ClinGen allele CA15681891.
Genomic context (GRCh38, chr11:103,203,929, plus strand): 5'-GTATCTTAAATCTTTTTTCTGGAGCTTTTAGAAAGTAACACCTAACTAGTGGATAGGCTA[A>G]CCTATAATAAAAACACCTGTATTAGTCTGTTTTTCCACTACTGATAAAGACTTACCTGAC-3'

ClinVar aggregate classification (germline): Benign (1 of 4 stars; one submission).

Allele frequency attached by ClinVar (database versions not stated): 1000 Genomes Project 0.91693; 1000 Genomes Project 30x 0.92005; TOPMed 0.92875; gnomAD 0.93017 and 0.93355.
gnomAD v4.1: 141,654 of 152,258 alleles (93%); highest among the groups gnomAD compares: African/African-American, 94%; 65,919 homozygotes.

Submission:

GeneDx
Classification: Benign. Last evaluated: 2018-06-14. Review status: criteria provided, single submitter. Criteria: GeneDx Variant Classification (06012015). Collection method: clinical testing. Allele origin: germline. Affected: yes.
Comment: This variant is considered likely benign or benign based on one or more of the following criteria: it is a conservative change, it occurs at a poorly conserved position in the protein, it is predicted to be benign by multiple in silico algorithms, and/or has population frequency not consistent with disease.